The following is an entry in ClinVar:

ClinVar aggregate classification (germline): Uncertain significance (1 of 4 stars; one submission).

Conditions:
Alport syndrome. Also called: Hemorrhagic familial nephritis; Hemorrhagic hereditary nephritis; Congenital hereditary hematuria. Identifiers: Orphanet 63, MedGen C1567741, MONDO:0018965.

Submission:

Myriad Genetics, Inc.
Classification: Uncertain significance for Alport syndrome. Last evaluated: 2025-10-15. Review status: criteria provided, single submitter. Criteria: Myriad Autosomal Dominant, Autosomal Recessive and X-Linked Classification Criteria (2023). Collection method: clinical testing. Allele origin: unknown.
Comment: NM_000092.4(COL4A4):c.2410G>C(G804R) is a missense variant classified as a variant of uncertain significance in the context of Alport syndrome, COL4A4-related. G804R has not been observed in cases with relevant disease. Relevant functional assessments of this variant are not available in the literature. G804R has not been observed in referenced population frequency databases. In summary, there is insufficient evidence to classify NM_000092.4(COL4A4):c.2410G>C(G804R) as pathogenic or benign. Please note: this variant was assessed in the context of healthy population screening.

NM_000092.5(COL4A4):c.2410G>C (p.Gly804Arg)

Gene: COL4A4 (collagen type IV alpha 4 chain; minus strand). Cytogenetic location: 2q36.3.
Variant type: single nucleotide variant.
Coding change: c.2410G>C on transcript NM_000092.5 (MANE Select); coding-DNA position 2410, G replaced by C.
Protein change: p.Gly804Arg; replaces glycine 804 with arginine.
Molecular consequence: missense variant.
Genome position (GRCh38, 1-based): chr2:227,057,574, C>G on the plus strand (G>C on the coding strand, the complement: COL4A4 is on the minus strand). VCF-style: chr2-227057574-C-G. GRCh37 (hg19) VCF-style: chr2-227922290-C-G.
Other names: short protein forms G804R.
Identifiers: ClinVar variation 5003590 (VCV005003590.1).
Genomic context (GRCh38, chr2:227,057,574, plus strand): 5'-GTGGACCTGGGACACCTGGAAACCCAGCATGTCCCTCTCTGCCTTTGGGACCTTTGAGAC[C>G]TAGGAATCCAGGAATGCCAGCTGGCCCTGAAATGATACAATACATCCATGACATTCATGA-3'
Protein context (NP_000083.3, residues 794-814): EGPAGIPGFL[Gly804Arg]LKGPKGREGH